The following is an entry in ClinVar:

ClinVar aggregate classification (germline): Uncertain significance (1 of 4 stars; one submission).

gnomAD v4.1: 2 of 1,613,180 alleles (0.00012%); highest among the groups gnomAD compares: Admixed American, 0.0033%; no homozygotes.

Submission:

Labcorp Genetics (formerly Invitae), Labcorp
Classification: Uncertain significance. Last evaluated: 2025-06-20. Review status: criteria provided, single submitter. Criteria: Invitae Variant Classification Sherloc (09022015). Collection method: clinical testing. Allele origin: germline.
Comment: This sequence change replaces lysine, which is basic and polar, with glutamic acid, which is acidic and polar, at codon 48 of the GDF5 protein (p.Lys48Glu). This variant is present in population databases (no rsID available, gnomAD 0.1%). This variant has not been reported in the literature in individuals affected with GDF5-related conditions. An algorithm developed to predict the effect of missense changes on protein structure and function (PolyPhen-2) suggests that this variant is likely to be disruptive. In summary, the available evidence is currently insufficient to determine the role of this variant in disease. Therefore, it has been classified as a Variant of Uncertain Significance.

NM_000557.5(GDF5):c.142A>G (p.Lys48Glu)

Gene: GDF5 (growth differentiation factor 5; minus strand). Cytogenetic location: 20q11.22.
Variant type: single nucleotide variant.
Coding change: c.142A>G on transcript NM_000557.5 (MANE Select); coding-DNA position 142, A replaced by G.
Protein change: p.Lys48Glu; replaces lysine 48 with glutamic acid.
Molecular consequence: missense variant.
Genome position (GRCh38, 1-based): chr20:35,437,787, T>C on the plus strand (A>G on the coding strand, the complement: GDF5 is on the minus strand). VCF-style: chr20-35437787-T-C. GRCh37 (hg19) VCF-style: chr20-34025567-T-C.
Other names: c.142A>G, p.Lys48Glu (NM_001319138.2); short protein forms K48E.
Identifiers: ClinVar variation 4743165 (VCV004743165.1).